The following is an entry in ClinVar:

NM_001370298.3(FGD4):c.674G>A (p.Cys225Tyr)

Gene: FGD4 (FYVE, RhoGEF and PH domain containing 4; plus strand). Cytogenetic location: 12p11.21.
Variant type: single nucleotide variant.
Coding change: c.674G>A on transcript NM_001370298.3 (MANE Select); coding-DNA position 674, G replaced by A.
Protein change: p.Cys225Tyr; replaces cysteine 225 with tyrosine.
Molecular consequence: missense variant. On other transcripts: 5 prime UTR variant (5), non-coding transcript variant (1), intron variant (1).
Genome position (GRCh38, 1-based): chr12:32,582,130, G>A. VCF-style: chr12-32582130-G-A. GRCh37 (hg19) VCF-style: chr12-32735064-G-A.
Other names: c.263G>A, p.Cys88Tyr (NM_001384128.1, NM_001384127.1, NM_001384131.1 and 3 more transcripts); c.-17G>A (NM_001384130.1, NM_001330373.2, NM_001330374.2); c.-582G>A (NM_001304483.2); c.-889G>A (NM_001304484.2); c.674G>A, p.Cys225Tyr (NM_001384126.1); c.518G>A, p.Cys173Tyr (NM_001304481.2); c.49-16367G>A (NM_001370297.1); short protein forms C173Y, C88Y, C225Y.
Identifiers: ClinVar variation 917065 (VCV000917065.11), dbSNP rs201660852, ClinGen allele CA6506608.

ClinVar aggregate classification (germline): Uncertain significance. Review status: criteria provided, multiple submitters, no conflicts (2 of 4 stars). 2 submissions from 2 submitters: Uncertain significance (2). Last evaluated 2023-07-07.

Conditions:
Charcot-Marie-Tooth disease. Also called: Charcot-Marie-Tooth Hereditary Neuropathy; Charcot-Marie-Tooth Neuropathy. Identifiers: Orphanet 166, MedGen C0007959, MONDO:0015626.
Charcot-Marie-Tooth disease type 4. Also called: Charcot-Marie-Tooth, Type 4; Charcot-Marie-Tooth disease, type IV. Identifiers: Orphanet 64749, MedGen C4082197, MONDO:0018995.

Allele frequency attached by ClinVar (database versions not stated): gnomAD 0.00001; TOPMed 0.00002; 1000 Genomes Project 30x 0.00016.
gnomAD v4.1: 3 of 1,614,234 alleles (0.00019%); highest among the groups gnomAD compares: East Asian, 0.0067%; no homozygotes.

Submissions (2):

Labcorp Genetics (formerly Invitae), Labcorp
Classification: Uncertain significance for Charcot-Marie-Tooth disease type 4. Last evaluated: 2023-07-07. Review status: criteria provided, single submitter. Criteria: Invitae Variant Classification Sherloc (09022015). Collection method: clinical testing. Allele origin: germline.
Comment: This sequence change replaces cysteine, which is neutral and slightly polar, with tyrosine, which is neutral and polar, at codon 88 of the FGD4 protein (p.Cys88Tyr). This variant is present in population databases (rs201660852, gnomAD 0.02%). This variant has not been reported in the literature in individuals affected with FGD4-related conditions. ClinVar contains an entry for this variant (Variation ID: 917065). Advanced modeling of protein sequence and biophysical properties (such as structural, functional, and spatial information, amino acid conservation, physicochemical variation, residue mobility, and thermodynamic stability) has been performed at Invitae for this missense variant, however the output from this modeling did not meet the statistical confidence thresholds required to predict the impact of this variant on FGD4 protein function. In summary, the available evidence is currently insufficient to determine the role of this variant in disease. Therefore, it has been classified as a Variant of Uncertain Significance.

Molecular Genetics Laboratory, London Health Sciences Centre
Classification: Uncertain significance for Charcot-Marie-Tooth disease. Review status: criteria provided, single submitter. Criteria: ACMG Guidelines, 2015. Collection method: clinical testing. Allele origin: germline. Affected: yes.